The following is an entry in ClinVar:

NM_014141.6(CNTNAP2):c.3281C>T (p.Thr1094Ile)

Gene: CNTNAP2 (contactin associated protein 2; plus strand). Cytogenetic location: 7q36.1.
Variant type: single nucleotide variant.
Coding change: c.3281C>T on transcript NM_014141.6 (MANE Select); coding-DNA position 3281, C replaced by T.
Protein change: p.Thr1094Ile; replaces threonine 1094 with isoleucine.
Molecular consequence: missense variant.
Genome position (GRCh38, 1-based): chr7:148,229,679, C>T. VCF-style: chr7-148229679-C-T. GRCh37 (hg19) VCF-style: chr7-147926771-C-T.
Other names: short protein forms T1094I.
Identifiers: ClinVar variation 1389576 (VCV001389576.4), dbSNP rs781096937, ClinGen allele CA369929631.

ClinVar aggregate classification (germline): Uncertain significance (1 of 4 stars; one submission).

Conditions:
Cortical dysplasia-focal epilepsy syndrome (PTHSL1). Also called: Pitt-Hopkins-like syndrome 1. Identifiers: Orphanet 163681, Orphanet 221150, MedGen C2750246, MONDO:0012400, OMIM 610042.

Allele frequency attached by ClinVar (database versions not stated): gnomAD 0.00001; TOPMed 0.00002.
gnomAD v4.1: 4 of 1,613,988 alleles (0.00025%); highest among the groups gnomAD compares: Non-Finnish European, 0.00025%; no homozygotes.

Submission:

Labcorp Genetics (formerly Invitae), Labcorp
Classification: Uncertain significance for Cortical dysplasia-focal epilepsy syndrome. Last evaluated: 2021-10-27. Review status: criteria provided, single submitter. Criteria: Invitae Variant Classification Sherloc (09022015). Collection method: clinical testing. Allele origin: germline.
Comment: In summary, the available evidence is currently insufficient to determine the role of this variant in disease. Therefore, it has been classified as a Variant of Uncertain Significance. Algorithms developed to predict the effect of missense changes on protein structure and function (SIFT, PolyPhen-2, Align-GVGD) all suggest that this variant is likely to be tolerated. This variant has not been reported in the literature in individuals affected with CNTNAP2-related conditions. This variant is present in population databases (no rsID available, gnomAD 0.0009%). This sequence change replaces threonine, a(n) neutral and polar amino acid, with isoleucine, a(n) neutral and non-polar amino acid, at codon 1094 of the CNTNAP2 protein (p.Thr1094Ile).